The following is an entry in ClinVar:

NM_201384.3(PLEC):c.12920C>T (p.Thr4307Met)

Gene: PLEC (plectin; minus strand). Cytogenetic location: 8q24.3.
Variant type: single nucleotide variant.
Coding change: c.12920C>T on transcript NM_201384.3 (MANE Select); coding-DNA position 12920, C replaced by T.
Protein change: p.Thr4307Met; replaces threonine 4307 with methionine.
Molecular consequence: missense variant.
Genome position (GRCh38, 1-based): chr8:143,916,901, G>A on the plus strand (C>T on the coding strand, the complement: PLEC is on the minus strand). VCF-style: chr8-143916901-G-A. GRCh37 (hg19) VCF-style: chr8-144991069-G-A.
Other names: c.13001C>T, p.Thr4334Met (NM_000445.5); c.12878C>T, p.Thr4293Met (NM_201378.4); c.12854C>T, p.Thr4285Met (NM_201379.3); c.13331C>T, p.Thr4444Met (NM_201380.4); c.12824C>T, p.Thr4275Met (NM_201381.3); c.12920C>T, p.Thr4307Met (NM_201382.4); c.12932C>T, p.Thr4311Met (NM_201383.3); short protein forms T4275M, T4334M, T4444M, T4285M, T4311M, T4293M, T4307M.
Identifiers: ClinVar variation 1345939 (VCV001345939.6), dbSNP rs782337927, ClinGen allele CA4923951.

ClinVar aggregate classification (germline): Uncertain significance (1 of 4 stars; one submission).

Conditions:
Epidermolysis bullosa simplex 5B, with muscular dystrophy (EBS5B). Also called: Epidermolysis bullosa simplex with muscular dystrophy; EPIDERMOLYSIS BULLOSA SIMPLEX AND LIMB-GIRDLE MUSCULAR DYSTROPHY. Identifiers: Orphanet 257, MedGen C2931072, MONDO:0009181, OMIM 226670.
Epidermolysis bullosa simplex, Ogna type (EBS5A). Also called: Pidermolysis bullosa simplex 5A, Ogna type; EPIDERMOLYSIS BULLOSA SIMPLEX 5A, OGNA TYPE. Identifiers: Orphanet 79401, MedGen C0432317, MONDO:0007555, OMIM 131950.
Epidermolysis bullosa simplex 5C, with pyloric atresia (EBS5C). Also called: PLEC1-Related Epidermolysis Bullosa with Pyloric Atresia; PLEC-Related Epidermolysis Bullosa with Pyloric Atresia; Epidermolysis bullosa simplex with pyloric atresia. Identifiers: Orphanet 158684, MedGen C2677349, MONDO:0012807, OMIM 612138.
Epidermolysis bullosa simplex with nail dystrophy (EBS5D). Identifiers: MedGen C4225309, MONDO:0014661, OMIM 616487.
Autosomal recessive limb-girdle muscular dystrophy type 2Q (LGMDR17). Also called: MUSCULAR DYSTROPHY, LIMB-GIRDLE, AUTOSOMAL RECESSIVE 17. Identifiers: Orphanet 254361, MedGen C3150989, MONDO:0013390, OMIM 613723.

Allele frequency attached by ClinVar (database versions not stated): gnomAD 0.00001; gnomAD exomes 0.00001 and 0.00002; TOPMed 0.00001; ExAC 0.00002.
gnomAD v4.1: 16 of 1,612,792 alleles (0.00099%); highest among the groups gnomAD compares: Middle Eastern, 0.016%; no homozygotes.

Submission:

Labcorp Genetics (formerly Invitae), Labcorp
Classification: Uncertain significance for Autosomal recessive limb-girdle muscular dystrophy type 2Q; Epidermolysis bullosa simplex, Ogna type; Epidermolysis bullosa simplex with nail dystrophy; Epidermolysis bullosa simplex 5C, with pyloric atresia; Epidermolysis bullosa simplex 5B, with muscular dystrophy. Last evaluated: 2024-12-05. Review status: criteria provided, single submitter. Criteria: Invitae Variant Classification Sherloc (09022015). Collection method: clinical testing. Allele origin: germline.
Comment: This sequence change replaces threonine, which is neutral and polar, with methionine, which is neutral and non-polar, at codon 4334 of the PLEC protein (p.Thr4334Met). This variant is present in population databases (rs782337927, gnomAD 0.007%). This variant has not been reported in the literature in individuals affected with PLEC-related conditions. ClinVar contains an entry for this variant (Variation ID: 1345939). Invitae Evidence Modeling of protein sequence and biophysical properties (such as structural, functional, and spatial information, amino acid conservation, physicochemical variation, residue mobility, and thermodynamic stability) has been performed for this missense variant. However, the output from this modeling did not meet the statistical confidence thresholds required to predict the impact of this variant on PLEC protein function. In summary, the available evidence is currently insufficient to determine the role of this variant in disease. Therefore, it has been classified as a Variant of Uncertain Significance.